The following is an entry in ClinVar:

NM_000551.4(VHL):c.485_486delinsTT (p.Cys162Phe)

Genes: VHL (von Hippel-Lindau tumor suppressor; plus strand), LOC107303340 (3p25 von Hippel-Lindau tumor suppressor, E3 ubiquitin protein ligase Alu-mediated recombination region; plus strand). Cytogenetic location: 3p25.3.
Variant type: Indel.
Coding change: c.485_486delinsTT on transcript NM_000551.4 (MANE Select); coding-DNA positions 485 to 486, GC replaced by TT.
Protein change: p.Cys162Phe; replaces cysteine 162 with phenylalanine.
Molecular consequence: missense variant. On other transcripts: 3 prime UTR variant (1), non-coding transcript variant (1).
Genome position (GRCh38, 1-based): chr3:10,149,808-10,149,809, GC replaced by TT. VCF-style: chr3-10149808-GC-TT. GRCh37 (hg19) VCF-style: chr3-10191492-GC-TT.
Other names: c.*39_*40delinsTT (NM_001354723.2); c.362_363delinsTT, p.Cys121Phe (NM_198156.3); short protein forms C121F, C162F.
Identifiers: ClinVar variation 2951902 (VCV002951902.3), dbSNP rs2470170739, ClinGen allele CA2740090901.
Genomic context (GRCh38, chr3:10,149,808, plus strand): 5'-CCTAGTCTGCCACTGAGGATTTGGTTTTTGCCCTTCCAGTGTATACTCTGAAAGAGCGAT[GC>TT]CTCCAGGTTGTCCGGAGCCTAGTCAAGCCTGAGAATTACAGGAGACTGGACATCGTCAGG-3'
Protein context (NP_000542.1, residues 152-172): TLPVYTLKER[Cys162Phe]LQVVRSLVKP

ClinVar aggregate classification (germline): Pathogenic (1 of 4 stars; one submission).

Conditions:
Von Hippel-Lindau syndrome (VHLS). Also called: VHL syndrome; Von Hippel-Lindau; von Hippel–Lindau syndrome. Identifiers: Orphanet 892, MedGen C0019562, MONDO:0008667, OMIM 193300. Disease mechanism: loss of function.
Chuvash polycythemia. Also called: POLYCYTHEMIA, VHL-DEPENDENT. Identifiers: Orphanet 238557, MedGen C1837915, MONDO:0009892, OMIM 263400.

Submission:

Labcorp Genetics (formerly Invitae), Labcorp
Classification: Pathogenic for Von Hippel-Lindau syndrome; Chuvash polycythemia. Last evaluated: 2023-09-13. Review status: criteria provided, single submitter. Criteria: Invitae Variant Classification Sherloc (09022015). Collection method: clinical testing. Allele origin: germline.
Comment: For these reasons, this variant has been classified as Pathogenic. This variant disrupts the p.Cys162 amino acid residue in VHL. Other variant(s) that disrupt this residue have been determined to be pathogenic (PMID: 7728151, 8634692, 8641976, 8956040, 9681856, 28052007). This suggests that this residue is clinically significant, and that variants that disrupt this residue are likely to be disease-causing. Experimental studies have shown that this missense change affects VHL function (PMID: 10878807, 11331612, 19228690). An algorithm developed to predict the effect of missense changes on protein structure and function (PolyPhen-2) suggests that this variant is likely to be disruptive. This missense change has been observed in individuals with von Hippel-Lindau syndrome (PMID: 9452032, 10458336, 20064270). Information on the frequency of this variant in the gnomAD database is not available, as this variant may be reported differently in the database. This sequence change replaces cysteine, which is neutral and slightly polar, with phenylalanine, which is neutral and non-polar, at codon 162 of the VHL protein (p.Cys162Phe).

Literature cited by the submitters: PubMed 7728151; PubMed 8634692; PubMed 8641976; PubMed 8956040; PubMed 9681856; PubMed 28052007; PubMed 10878807; PubMed 11331612; PubMed 19228690; PubMed 9452032; PubMed 10458336; PubMed 20064270.